The following is an entry in ClinVar:

ClinVar aggregate classification (germline): Uncertain significance. Review status: criteria provided, multiple submitters, no conflicts (2 of 4 stars). 2 submissions from 2 submitters: Uncertain significance (2). Last evaluated 2025-11-11.

Conditions:
PEX7-related disorder. Also called: PEX7-related disorders; PEX7-related condition. Identifiers: MedGen CN239409.
Peroxisome biogenesis disorder 9B. Also called: PEX7-Related Refsum Disease; PEROXISOME BIOGENESIS DISORDER, PEX7-RELATED, ATYPICAL; Refsum disease, adult, 2. Identifiers: Orphanet 773, MedGen C2749346, MONDO:0013945, OMIM 614879.

gnomAD v4.1: 2 of 1,520,600 alleles (0.00013%); highest among the groups gnomAD compares: Non-Finnish European, 0.00018%; no homozygotes.

Submissions (2):

PreventionGenetics, part of Exact Sciences
Classification: Uncertain significance for PEX7-related condition. Last evaluated: 2025-11-11. Review status: criteria provided, single submitter. Criteria: ACMG Guidelines, 2015. Collection method: clinical testing. Allele origin: germline.
Comment: The PEX7 c.26C>T variant is predicted to result in the amino acid substitution p.Ala9Val. To our knowledge, this variant has not been reported in the literature or in a large population database (gnomAD), indicating this variant is rare. At this time, the clinical significance of this variant is uncertain due to the absence of conclusive functional and genetic evidence.

Labcorp Genetics (formerly Invitae), Labcorp
Classification: Uncertain significance for Peroxisome biogenesis disorder 9B. Last evaluated: 2022-07-30. Review status: criteria provided, single submitter. Criteria: Invitae Variant Classification Sherloc (09022015). Collection method: clinical testing. Allele origin: germline.
Comment: This sequence change replaces alanine, which is neutral and non-polar, with valine, which is neutral and non-polar, at codon 9 of the PEX7 protein (p.Ala9Val). This variant is not present in population databases (gnomAD no frequency). This variant has not been reported in the literature in individuals affected with PEX7-related conditions. Algorithms developed to predict the effect of missense changes on protein structure and function output the following: SIFT: "Tolerated"; PolyPhen-2: "Benign"; Align-GVGD: "Class C0". The valine amino acid residue is found in multiple mammalian species, which suggests that this missense change does not adversely affect protein function. Algorithms developed to predict the effect of sequence changes on RNA splicing suggest that this variant may create or strengthen a splice site. In summary, the available evidence is currently insufficient to determine the role of this variant in disease. Therefore, it has been classified as a Variant of Uncertain Significance.

NM_000288.4(PEX7):c.26C>T (p.Ala9Val)

Gene: PEX7 (peroxisomal biogenesis factor 7; plus strand). Cytogenetic location: 6q23.3.
Variant type: single nucleotide variant.
Coding change: c.26C>T on transcript NM_000288.4 (MANE Select); coding-DNA position 26, C replaced by T.
Protein change: p.Ala9Val; replaces alanine 9 with valine.
Molecular consequence: missense variant.
Genome position (GRCh38, 1-based): chr6:136,822,691, C>T. VCF-style: chr6-136822691-C-T. GRCh37 (hg19) VCF-style: chr6-137143829-C-T.
Other names: c.26C>T (NM_000288.3); short protein forms A9V.
Identifiers: ClinVar variation 2173338 (VCV002173338.2), dbSNP rs1774097710, ClinGen allele CA365855110.